The following is an entry in ClinVar:

NM_024675.4(PALB2):c.3490T>C (p.Trp1164Arg)

Gene: PALB2 (partner and localizer of BRCA2; minus strand). Cytogenetic location: 16p12.2.
Variant type: single nucleotide variant.
Coding change: c.3490T>C on transcript NM_024675.4 (MANE Select); coding-DNA position 3490, T replaced by C.
Protein change: p.Trp1164Arg; replaces tryptophan 1164 with arginine.
Molecular consequence: missense variant.
Genome position (GRCh38, 1-based): chr16:23,603,530, A>G on the plus strand (T>C on the coding strand, the complement: PALB2 is on the minus strand). VCF-style: chr16-23603530-A-G. GRCh37 (hg19) VCF-style: chr16-23614851-A-G.
Other names: short protein forms W1164R.
Identifiers: ClinVar variation 484211 (VCV000484211.20), dbSNP rs751979432, ClinGen allele CA7963330.

ClinVar aggregate classification (germline): Uncertain significance. Review status: criteria provided, multiple submitters, no conflicts (2 of 4 stars). 4 submissions from 4 submitters: Uncertain significance (4). Last evaluated 2024-10-24.

Conditions:
Familial cancer of breast. Also called: BREAST CANCER, FAMILIAL; Hereditary breast cancer; hereditary breast carcinoma. Identifiers: Orphanet 227535, MedGen C0346153, MONDO:0016419, OMIM 114480. Disease mechanism: loss of function.
Hereditary cancer-predisposing syndrome. Also called: Neoplastic Syndromes, Hereditary; Tumor predisposition; Hereditary Cancer Syndrome; Hereditary neoplastic syndrome. Identifiers: Orphanet 140162, MedGen C0027672, MeSH D009386, MONDO:0015356.

Allele frequency attached by ClinVar (database versions not stated): gnomAD exomes below 0.00001; ExAC 0.00001; gnomAD 0.00001.

Submissions (4):

Ambry Genetics
Classification: Uncertain significance for Hereditary cancer-predisposing syndrome. Last evaluated: 2024-10-24. Review status: criteria provided, single submitter. Criteria: Ambry Variant Classification Scheme 2023. Collection method: clinical testing. Allele origin: germline.
Comment: The p.W1164R variant (also known as c.3490T>C), located in coding exon 13 of the PALB2 gene, results from a T to C substitution at nucleotide position 3490. The tryptophan at codon 1164 is replaced by arginine, an amino acid with dissimilar properties. This alteration has been reported in 2/345 individuals at high risk for pancreatic cancer who tested negative for germline mutations in pancreatic susceptibility genes (Abe T et al. J Clin Oncol, 2019 05;37:1070-1080). This amino acid position is highly conserved in available vertebrate species. In addition, the in silico prediction for this alteration is inconclusive. Since supporting evidence is limited at this time, the clinical significance of this alteration remains unclear.

Labcorp Genetics (formerly Invitae), Labcorp
Classification: Uncertain significance for Familial cancer of breast. Last evaluated: 2024-08-07. Review status: criteria provided, single submitter. Criteria: Invitae Variant Classification Sherloc (09022015). Collection method: clinical testing. Allele origin: germline.
Comment: This sequence change replaces tryptophan, which is neutral and slightly polar, with arginine, which is basic and polar, at codon 1164 of the PALB2 protein (p.Trp1164Arg). This variant is present in population databases (rs751979432, gnomAD 0.0009%). This variant has not been reported in the literature in individuals affected with PALB2-related conditions. ClinVar contains an entry for this variant (Variation ID: 484211). An algorithm developed to predict the effect of missense changes on protein structure and function (PolyPhen-2) suggests that this variant is likely to be disruptive. In summary, the available evidence is currently insufficient to determine the role of this variant in disease. Therefore, it has been classified as a Variant of Uncertain Significance.

Women's Health and Genetics/Laboratory Corporation of America, LabCorp
Classification: Uncertain significance. Last evaluated: 2024-02-20. Review status: criteria provided, single submitter. Criteria: LabCorp Variant Classification Summary - May 2015. Collection method: clinical testing. Allele origin: germline.
Comment: Variant summary: PALB2 c.3490T>C (p.Trp1164Arg) results in a non-conservative amino acid change located in the Partner and localiser of BRCA2, WD40 domain (IPR031920) of the encoded protein sequence. Four of five in-silico tools predict a damaging effect of the variant on protein function. The variant was absent in 251482 control chromosomes. The available data on variant occurrences in the general population are insufficient to allow any conclusion about variant significance. c.3490T>C has been reported in the literature in one heterozygous individual at high risk of pancreatic cancer based on family history, but with no personal history of cancer (Abe_2019). This report does not provide unequivocal conclusions about association of the variant with Breast Cancer. To our knowledge, no experimental evidence demonstrating an impact on protein function has been reported. The following publication has been ascertained in the context of this evaluation (PMID: 30883245). ClinVar contains an entry for this variant (Variation ID: 484211). Based on the evidence outlined above, the variant was classified as uncertain significance.

Color Diagnostics, LLC DBA Color Health
Classification: Uncertain significance for Hereditary cancer-predisposing syndrome. Last evaluated: 2021-03-09. Review status: criteria provided, single submitter. Criteria: ACMG Guidelines, 2015. Collection method: clinical testing. Allele origin: germline.
Comment: This missense variant replaces tryptophan with arginine at codon 1164 of the PALB2 protein. Computational prediction suggests that this variant may have deleterious impact on protein structure and function (internally defined REVEL score threshold >= 0.7, PMID: 27666373). To our knowledge, functional studies have not been reported for this variant. This variant has not been reported in individuals affected with hereditary cancer in the literature. This variant has been identified in 1/246256 chromosomes in the general population by the Genome Aggregation Database (gnomAD). The available evidence is insufficient to determine the role of this variant in disease conclusively. Therefore, this variant is classified as a Variant of Uncertain Significance.

Literature cited by the submitters: PubMed 30883245 (cited by Ambry Genetics and Women's Health and Genetics/Laboratory Corporation of America, LabCorp).